The following is an entry in ClinVar:

ClinVar aggregate classification (germline): Uncertain significance. Review status: criteria provided, multiple submitters, no conflicts (2 of 4 stars). 2 submissions from 2 submitters: Uncertain significance (2). Last evaluated 2025-08-28.

Conditions:
Inborn genetic diseases. Identifiers: MedGen C0950123, MeSH D030342.

Allele frequency attached by ClinVar (database versions not stated): gnomAD 0.00001.
gnomAD v4.1: 1 of 1,613,402 alleles (0.000062%); highest among the groups gnomAD compares: African/African-American, 0.0013%; no homozygotes.

Submissions (2):

Dasa
Classification: Uncertain significance. Last evaluated: 2025-08-28. Review status: criteria provided, single submitter. Criteria: DASA Assertion Criteria. Collection method: clinical testing. Allele origin: germline.
Comment: NM_001098.3(ACO2):c.694G>C (p.Val232Leu) is a missense variant that results in the substitution of valine with leucine. This variant is rare in population databases. The currently available literature and clinical evidence are not sufficient to establish a definitive association between this variant and the reported condition. Therefore, this variant is classified as a variant of uncertain significance.

Ambry Genetics
Classification: Uncertain significance for Inborn genetic diseases. Last evaluated: 2022-01-18. Review status: criteria provided, single submitter. Criteria: Ambry Variant Classification Scheme 2023. Collection method: clinical testing. Allele origin: germline.

NM_001098.3(ACO2):c.694G>C (p.Val232Leu)

Gene: ACO2 (aconitase 2; plus strand). Cytogenetic location: 22q13.2.
Variant type: single nucleotide variant.
Coding change: c.694G>C on transcript NM_001098.3 (MANE Select); coding-DNA position 694, G replaced by C.
Protein change: p.Val232Leu; replaces valine 232 with leucine.
Molecular consequence: missense variant.
Genome position (GRCh38, 1-based): chr22:41,515,776, G>C. VCF-style: chr22-41515776-G-C. GRCh37 (hg19) VCF-style: chr22-41911780-G-C.
Other names: short protein forms V232L.
Identifiers: ClinVar variation 2272110 (VCV002272110.4), dbSNP rs1301732484, ClinGen allele CA411719607.